The following is an entry in ClinVar:

NM_032603.5(LOXL3):c.2126A>G (p.Asn709Ser)

Gene: LOXL3 (lysyl oxidase like 3; minus strand). Cytogenetic location: 2p13.1.
Variant type: single nucleotide variant.
Coding change: c.2126A>G on transcript NM_032603.5 (MANE Select); coding-DNA position 2126, A replaced by G.
Protein change: p.Asn709Ser; replaces asparagine 709 with serine.
Molecular consequence: missense variant.
Genome position (GRCh38, 1-based): chr2:74,533,944, T>C on the plus strand (A>G on the coding strand, the complement: LOXL3 is on the minus strand). VCF-style: chr2-74533944-T-C. GRCh37 (hg19) VCF-style: chr2-74761071-T-C.
Other names: c.1691A>G, p.Asn564Ser (NM_001289164.3); c.1043A>G, p.Asn348Ser (NM_001289165.2); short protein forms N564S, N709S, N348S.
Identifiers: ClinVar variation 1501848 (VCV001501848.8), dbSNP rs2104387139, ClinGen allele CA347384113.

ClinVar aggregate classification (germline): Uncertain significance (1 of 4 stars; one submission).

Allele frequency attached by ClinVar (database versions not stated): gnomAD exomes below 0.00001.
gnomAD v4.1: 6 of 1,614,174 alleles (0.00037%); highest among the groups gnomAD compares: Non-Finnish European, 0.00051%; no homozygotes.

Submission:

Labcorp Genetics (formerly Invitae), Labcorp
Classification: Uncertain significance. Last evaluated: 2022-08-12. Review status: criteria provided, single submitter. Criteria: Invitae Variant Classification Sherloc (09022015). Collection method: clinical testing. Allele origin: germline.
Comment: In summary, the available evidence is currently insufficient to determine the role of this variant in disease. Therefore, it has been classified as a Variant of Uncertain Significance. Algorithms developed to predict the effect of sequence changes on RNA splicing suggest that this variant may create or strengthen a splice site. Algorithms developed to predict the effect of missense changes on protein structure and function are either unavailable or do not agree on the potential impact of this missense change (SIFT: "Deleterious"; PolyPhen-2: "Probably Damaging"; Align-GVGD: "Class C0"). ClinVar contains an entry for this variant (Variation ID: 1501848). This missense change has been observed in individual(s) with Stickler syndrome (Invitae). This variant is not present in population databases (gnomAD no frequency). This sequence change replaces asparagine, which is neutral and polar, with serine, which is neutral and polar, at codon 709 of the LOXL3 protein (p.Asn709Ser).